The following is an entry in ClinVar:

ClinVar aggregate classification (germline): Uncertain significance (1 of 4 stars; one submission).

Conditions:
Ellis-van Creveld syndrome (EVC). Also called: EVC-Related Ellis-van Creveld Syndrome; EVC2-Related Ellis-van Creveld Syndrome; MESOECTODERMAL DYSPLASIA; Chondroectodermal dysplasia. Identifiers: Orphanet 289, MedGen C0013903, MONDO:0009162, OMIM 225500.
Curry-Hall syndrome (WAD). Also called: WEYERS ACRODENTAL DYSOSTOSIS. Identifiers: Orphanet 952, MedGen C0457013, MONDO:0008673, OMIM 193530.

gnomAD v4.1: 3 of 1,614,078 alleles (0.00019%); highest among the groups gnomAD compares: East Asian, 0.0067%; no homozygotes.

Submission:

Labcorp Genetics (formerly Invitae), Labcorp
Classification: Uncertain significance for Curry-Hall syndrome; Ellis-van Creveld syndrome. Last evaluated: 2025-09-29. Review status: criteria provided, single submitter. Criteria: Invitae Variant Classification Sherloc (09022015). Collection method: clinical testing. Allele origin: germline.
Comment: This sequence change replaces alanine, which is neutral and non-polar, with valine, which is neutral and non-polar, at codon 118 of the EVC2 protein (p.Ala118Val). This variant is present in population databases (rs778239021, gnomAD 0.02%). This variant has not been reported in the literature in individuals affected with EVC2-related conditions. An algorithm developed to predict the effect of missense changes on protein structure and function outputs the following: PolyPhen-2: "Benign". The valine amino acid residue is found in multiple mammalian species, which suggests that this missense change does not adversely affect protein function. In summary, the available evidence is currently insufficient to determine the role of this variant in disease. Therefore, it has been classified as a Variant of Uncertain Significance.

NM_147127.5(EVC2):c.353C>T (p.Ala118Val)

Gene: EVC2 (EvC ciliary complex subunit 2; minus strand). Cytogenetic location: 4p16.2.
Variant type: single nucleotide variant.
Coding change: c.353C>T on transcript NM_147127.5 (MANE Select); coding-DNA position 353, C replaced by T.
Protein change: p.Ala118Val; replaces alanine 118 with valine.
Molecular consequence: missense variant.
Genome position (GRCh38, 1-based): chr4:5,694,432, G>A on the plus strand (C>T on the coding strand, the complement: EVC2 is on the minus strand). VCF-style: chr4-5694432-G-A. GRCh37 (hg19) VCF-style: chr4-5696159-G-A.
Other names: c.113C>T, p.Ala38Val (NM_001166136.2); short protein forms A118V, A38V.
Identifiers: ClinVar variation 4787611 (VCV004787611.1).